The following is an entry in ClinVar:

ClinVar aggregate classification (germline): Uncertain significance (1 of 4 stars; one submission).

Conditions:
Cardiovascular phenotype. Identifiers: MedGen CN230736.

gnomAD v4.1: 1 of 1,498,794 alleles (0.000067%); highest among the groups gnomAD compares: Non-Finnish European, 0.000088%; no homozygotes.

Submission:

Ambry Genetics
Classification: Uncertain significance for Cardiovascular phenotype. Last evaluated: 2024-01-10. Review status: criteria provided, single submitter. Criteria: Ambry Variant Classification Scheme 2023. Collection method: clinical testing. Allele origin: germline.
Comment: The p.P230A variant (also known as c.688C>G), located in coding exon 1 of the ALPK3 gene, results from a C to G substitution at nucleotide position 688. The proline at codon 230 is replaced by alanine, an amino acid with highly similar properties. This alteration has been reported in a cardiomyopathy cohort (Herkert JC et al. Am Heart J, 2020 Jul;225:108-119). This amino acid position is highly conserved in available vertebrate species. In addition, this alteration is predicted to be tolerated by in silico analysis. Since supporting evidence is limited at this time, the clinical significance of this alteration remains unclear.

Literature cited by the submitters: PubMed 32480058.

NM_020778.5(ALPK3):c.82C>G (p.Pro28Ala)

Gene: ALPK3 (alpha kinase 3; plus strand). Cytogenetic location: 15q25.3.
Variant type: single nucleotide variant.
Coding change: c.82C>G on transcript NM_020778.5 (MANE Select); coding-DNA position 82, C replaced by G.
Protein change: p.Pro28Ala; replaces proline 28 with alanine.
Molecular consequence: missense variant.
Genome position (GRCh38, 1-based): chr15:84,817,534, C>G. VCF-style: chr15-84817534-C-G. GRCh37 (hg19) VCF-style: chr15-85360765-C-G.
Other names: short protein forms P28A.
Identifiers: ClinVar variation 3227494 (VCV003227494.1), dbSNP rs1268648693, ClinGen allele CA393369427.
Genomic context (GRCh38, chr15:84,817,534, plus strand): 5'-AGCCGGGGCTGGGGCGCGGGTGGGCGGTCGGGGGCGGGGGGCGACGGTGAGGACGACGGC[C>G]CCGTGTGGATCCCCAGCCCAGCCAGCCGGAGCTACCTGCTCAGCGTGCGGCCCGAGACCA-3'
Protein context (NP_065829.4, residues 18-38): GAGGDGEDDG[Pro28Ala]VWIPSPASRS